The following is an entry in ClinVar:

ClinVar aggregate classification (germline): Benign. Review status: criteria provided, multiple submitters, no conflicts (2 of 4 stars). 3 submissions from 3 submitters: Benign (3). Last evaluated 2024-07-31.

Allele frequency attached by ClinVar (database versions not stated): gnomAD exomes 0.06077; gnomAD 0.12427 and 0.12440; TOPMed 0.14446; 1000 Genomes Project 0.18650; 1000 Genomes Project 30x 0.18738.
gnomAD v4.1: 104,691 of 1,547,236 alleles (6.8%); highest among the groups gnomAD compares: African/African-American, 26%; 7,128 homozygotes.

Submissions (3):

Unidad de Genómica Garrahan, Hospital de Pediatría Garrahan
Classification: Benign. Last evaluated: 2024-07-31. Review status: criteria provided, single submitter. Criteria: ACMG Guidelines, 2015. Collection method: clinical testing. Allele origin: germline. Affected: no. Observed: 32 variant alleles.
Comment: This variant is classified as Benign based on local population frequency. This variant was detected in 34% of patients studied in a panel designed for Epileptic and Developmental Encephalopathy, Progressive Myoclonus Epilepsy and Abnormal Movements and Neurodegeneration with brain iron accumulation. Number of patients: 32. Only high quality variants are reported.

GeneDx
Classification: Benign. Last evaluated: 2018-07-30. Review status: criteria provided, single submitter. Criteria: GeneDx Variant Classification Process June 2021. Collection method: clinical testing. Allele origin: germline. Affected: yes.

Breakthrough Genomics
Classification: Benign. Review status: criteria provided, single submitter. Criteria: ACMG Guidelines, 2015. Collection method: not provided. Allele origin: germline. Inheritance: Autosomal dominant inheritance. Affected: yes.

NM_018105.3(THAP1):c.268-87A>G

Gene: THAP1 (THAP domain containing 1; minus strand). Cytogenetic location: 8p11.21.
Variant type: single nucleotide variant.
Coding change: c.268-87A>G on transcript NM_018105.3 (MANE Select); 87 bases into the intron before coding-DNA position 268, A replaced by G.
Molecular consequence: intron variant.
Genome position (GRCh38, 1-based): chr8:42,838,423, T>C on the plus strand (A>G on the coding strand, the complement: THAP1 is on the minus strand). VCF-style: chr8-42838423-T-C. GRCh37 (hg19) VCF-style: chr8-42693566-T-C.
Other names: c.72-87A>G (NM_199003.2).
Identifiers: ClinVar variation 1268004 (VCV001268004.5), dbSNP rs111989331, ClinGen allele CA176034324.